The following is an entry in ClinVar:

NM_002734.5(PRKAR1A):c.286C>T (p.Arg96Ter)

Gene: PRKAR1A (protein kinase cAMP-dependent type I regulatory subunit alpha; plus strand). Cytogenetic location: 17q24.2.
Variant type: single nucleotide variant.
Coding change: c.286C>T on transcript NM_002734.5 (MANE Select); coding-DNA position 286, C replaced by T.
Protein change: p.Arg96Ter; replaces arginine 96 with a stop codon.
Molecular consequence: nonsense.
Genome position (GRCh38, 1-based): chr17:68,522,864, C>T. VCF-style: chr17-68522864-C-T. GRCh37 (hg19) VCF-style: chr17-66519005-C-T.
Other names: c.286C>T, p.Arg96Ter (NM_001276289.2, NM_001276290.1, NM_001278433.2 and 4 more transcripts); short protein forms R96*.
Identifiers: ClinVar variation 41386 (VCV000041386.14), dbSNP rs281864783, ClinGen allele CA344434.
Genomic context (GRCh38, chr17:68,522,864, plus strand): 5'-GACTCAAGGGAGGATGAGATTTCTCCTCCTCCACCCAACCCAGTGGTTAAAGGTAGGAGG[C>T]GACGAGGTGCTATCAGCGCTGAGGTCTACACGGAGGAAGATGCGGCATCCTATGTTAGAA-3'

ClinVar aggregate classification (germline): Pathogenic (1 of 4 stars; one submission).

Conditions:
Carney complex, type 1 (CNC1). Also called: CARNEY MYXOMA-ENDOCRINE COMPLEX; CARNEY COMPLEX, TYPE I. Identifiers: Orphanet 1359, MedGen C2607929, MONDO:0008057, OMIM 160980.

Allele frequency attached by ClinVar (database versions not stated): gnomAD exomes below 0.00001.

Submission:

Labcorp Genetics (formerly Invitae), Labcorp
Classification: Pathogenic for Carney complex, type 1. Last evaluated: 2023-12-15. Review status: criteria provided, single submitter. Criteria: Invitae Variant Classification Sherloc (09022015). Collection method: clinical testing. Allele origin: germline.
Comment: This sequence change creates a premature translational stop signal (p.Arg96*) in the PRKAR1A gene. It is expected to result in an absent or disrupted protein product. Loss-of-function variants in PRKAR1A are known to be pathogenic (PMID: 11115848, 19293268). This variant is not present in population databases (gnomAD no frequency). This premature translational stop signal has been observed in individual(s) with Carney complex (PMID: 17396442). In at least one individual the variant was observed to be de novo. ClinVar contains an entry for this variant (Variation ID: 41386). Algorithms developed to predict the effect of sequence changes on RNA splicing suggest that this variant may disrupt the consensus splice site. For these reasons, this variant has been classified as Pathogenic.

Literature cited by the submitters: PubMed 11115848; PubMed 19293268; PubMed 17396442.